The following is an entry in ClinVar:

ClinVar aggregate classification (germline): Uncertain significance (1 of 4 stars; one submission).

Conditions:
Dent disease type 1 (DENT1). Also called: NEPHROLITHIASIS 2; NEPHROLITHIASIS, HYPERCALCIURIC, X-LINKED. Identifiers: Orphanet 1652, Orphanet 93622, MedGen C1848336, MONDO:0010225, OMIM 300009.

Submission:

MVZ Medizinische Genetik Mainz
Classification: Uncertain significance for Dent disease type 1. Last evaluated: 2026-04-02. Review status: criteria provided, single submitter. Criteria: UK Practice Guidelines For Variant Classification V4 01 2020. Collection method: clinical testing. Allele origin: germline. Inheritance: X-linked dominant inheritance. Affected: yes. Observed: 1 variant allele.
Comment: ACMG Criteria: PM4,PM2_SUP,PP3

NM_001127898.4(CLCN5):c.2052_2057del (p.Glu684_Thr686delinsAsp)

Genes: CLCN5 (Cl-/H+ antiporter 5; plus strand), LOC126863258 (BRD4-independent group 4 enhancer GRCh37_chrX:49854497-49855696; plus strand). Cytogenetic location: Xp11.23.
Variant type: Deletion.
Coding change: c.2052_2057del on transcript NM_001127898.4 (MANE Select); coding-DNA positions 2052 to 2057, 6 bases deleted (AACCAC; older notation c.2052_2057delAACCAC).
Protein change: p.Glu684_Thr686delinsAsp.
Molecular consequence: inframe indel. On other transcripts: non-coding transcript variant (1).
Genome position (GRCh38, 1-based): chrX:50,090,423-50,090,428, AACCAC deleted. VCF-style (leftmost placement, unchanged base first): chrX-50090422-AAACCAC-A. GRCh37 (hg19) VCF-style: chrX-49855079-AAACCAC-A.
Other names: c.1842_1847del, p.Glu614_Thr616delinsAsp (NM_000084.5); c.2052_2057del, p.Glu684_Thr686delinsAsp (NM_001127899.4); c.1902_1907del, p.Glu634_Thr636delinsAsp (NM_001282163.2); c.2064_2069del, p.Glu688_Thr690delinsAsp (NM_001440756.1, NM_001440757.1).
Identifiers: ClinVar variation 4849215 (VCV004849215.1).